The following is an entry in ClinVar:

ClinVar aggregate classification (germline): Pathogenic (1 of 4 stars; one submission).

Conditions:
Long QT syndrome (LQTS). Identifiers: MedGen C0023976, MeSH D008133, MONDO:0002442. Disease mechanism: loss of function. Inheritance: Various modes of inheritance.

Submission:

Labcorp Genetics (formerly Invitae), Labcorp
Classification: Pathogenic for Long QT syndrome. Last evaluated: 2024-10-17. Review status: criteria provided, single submitter. Criteria: Invitae Variant Classification Sherloc (09022015). Collection method: clinical testing. Allele origin: germline.
Comment: This sequence change creates a premature translational stop signal (p.Leu1095Valfs*24) in the KCNH2 gene. While this is not anticipated to result in nonsense mediated decay, it is expected to disrupt the last 65 amino acid(s) of the KCNH2 protein. This variant is not present in population databases (gnomAD no frequency). This variant has not been reported in the literature in individuals affected with KCNH2-related conditions. Experimental studies and prediction algorithms are not available or were not evaluated, and the functional significance of this variant is currently unknown. This variant disrupts a region of the KCNH2 protein in which other variant(s) (p.Glu1119*) have been determined to be pathogenic (PMID: 27920829). This suggests that this is a clinically significant region of the protein, and that variants that disrupt it are likely to be disease-causing. For these reasons, this variant has been classified as Pathogenic.

Literature cited by the submitters: PubMed 27920829.

NM_000238.4(KCNH2):c.3281dup (p.Leu1095fs)

Gene: KCNH2 (potassium voltage-gated channel subfamily H member 2; minus strand). Cytogenetic location: 7q36.1.
Variant type: Duplication.
Coding change: c.3281dup on transcript NM_000238.4 (MANE Select); coding-DNA position 3281, one base duplicated (T; older notation c.3281dupT).
Protein change: p.Leu1095fs; shifts the reading frame from leucine 1095.
Molecular consequence: frameshift variant. On other transcripts: non-coding transcript variant (2).
Genome position (GRCh38, 1-based): chr7:150,946,926, A duplicated on the plus strand (T on the coding strand, the reverse complement: KCNH2 is on the minus strand). VCF-style (leftmost placement, unchanged base first): chr7-150946925-C-CA. GRCh37 (hg19) VCF-style: chr7-150644013-C-CA.
Other names: c.2993dup, p.Leu999fs (NM_001406753.1); c.2261dup, p.Leu755fs (NM_172057.3); short protein forms L755fs, L999fs, L1095fs.
Identifiers: ClinVar variation 2832789 (VCV002832789.3), dbSNP rs2486000512, ClinGen allele CA2739279284.
Genomic context (GRCh38, chr7:150,946,925, plus strand): 5'-GCTGGAGCTTACCTGAGAAAGCGAGTCCAAGGTGAGGGTGGGGAGGGGGCTGACGGGCAA[C>CA]AGCGGGGATGTGGAAGTGGGGCCAGGCCCCGGGGTGGTCACAGCACTGTAGGCGGGCGGG-3'